The following is an entry in ClinVar:

NR_199791.1(RNU2-2):n.176G>C

Genes: RNU2-2 (RNA, U2 small nuclear 2; minus strand), WDR74 (WD repeat domain 74; minus strand). Cytogenetic location: 11q12.3.
Variant type: single nucleotide variant.
Molecular consequence: non-coding transcript variant (on NR_199791.1). On other transcripts: 5 prime UTR variant (1).
Genome position: GRCh38 VCF-style: chr11-62841634-C-G. GRCh37 (hg19) VCF-style: chr11-62609106-C-G.
Other names: c.-363G>C (NM_001369451.1).
Identifiers: ClinVar variation 4540541 (VCV004540541.1).

ClinVar aggregate classification (germline): Uncertain significance (1 of 4 stars; one submission).

gnomAD v4.1: 1 of 152,228 alleles (0.00066%); highest among the groups gnomAD compares: African/African-American, 0.0024%; no homozygotes.

Submission:

Institute for Human Genetics, University Hospital Essen
Classification: Uncertain significance. Last evaluated: 2025-11-27. Review status: criteria provided, single submitter. Criteria: Submitter's publication. Collection method: clinical testing. Allele origin: inherited. Inheritance: Autosomal unknown. Affected: yes. Observed: 1 variant allele, 1 compound heterozygote.
Comment: PM1_supp, PM2_supp (criteria rationale detailed in Leitão et al. Nature Genetics 2026)